The following is an entry in ClinVar:

ClinVar aggregate classification (germline): Likely pathogenic (1 of 4 stars; one submission).

Conditions:
Cardiomyopathy, dilated, 2K. Identifiers: MedGen C5935636, MONDO:0971175, OMIM 620894.

Submission:

Human Genetics Bochum, Ruhr University Bochum
Classification: Likely pathogenic for Cardiomyopathy, dilated, 2K. Last evaluated: 2025-02-05. Review status: criteria provided, single submitter. Criteria: ACMG Guidelines, 2015. Collection method: clinical testing. Allele origin: germline. Affected: yes.
Comment: was identified together with MYZAP c.779del; ACMG criteria used to clasify this variant: PVS1, PM2_SUP

NM_001018100.5(MYZAP):c.1128dup (p.Leu377fs)

Genes: GCOM1 (GCOM1, MYZAP-POLR2M combined locus; plus strand), MYZAP (myocardial zonula adherens protein; plus strand). Cytogenetic location: 15q21.3.
Variant type: Duplication.
Coding change: c.1128dup on transcript NM_001018100.5 (MANE Select); coding-DNA position 1128, one base duplicated (A; older notation c.1128dupA).
Protein change: p.Leu377fs; shifts the reading frame from leucine 377.
Molecular consequence: frameshift variant. On other transcripts: non-coding transcript variant (3), intron variant (1).
Genome position (GRCh38, 1-based): chr15:57,661,458, A duplicated. VCF-style (leftmost placement, unchanged base first): chr15-57661457-C-CA. GRCh37 (hg19) VCF-style: chr15-57953655-C-CA.
Other names: c.1128dup, p.Leu377fs (NM_001018090.6, NM_001018091.6, NM_001285900.3); c.1120-13510dup (NM_152451.8); short protein forms L377fs.
Identifiers: ClinVar variation 4687891 (VCV004687891.1), dbSNP rs765388136.
Genomic context (GRCh38, chr15:57,661,457, plus strand): 5'-ACTTACACAATTGTACATTTTTGATTAACAATTTTCCATCCCTTTCTTTCTAGATTGAAT[C>CA]ATTAAAGAAAAAGTTGCAACAGAAACAGCTCTTAATACTGCAGCTTTTAGAAAAGATATC-3'